The following is an entry in ClinVar:

ClinVar aggregate classification (germline): Uncertain significance. Review status: criteria provided, multiple submitters, no conflicts (2 of 4 stars). 2 submissions from 2 submitters: Uncertain significance (2). Last evaluated 2025-11-12.

Allele frequency attached by ClinVar (database versions not stated): ExAC 0.00001; gnomAD exomes 0.00001; gnomAD 0.00002; TOPMed 0.00002.
gnomAD v4.1: 15 of 1,614,012 alleles (0.00093%); highest among the groups gnomAD compares: Non-Finnish European, 0.0011%; no homozygotes.

Submissions (2):

Labcorp Genetics (formerly Invitae), Labcorp
Classification: Uncertain significance. Last evaluated: 2025-11-12. Review status: criteria provided, single submitter. Criteria: Invitae Variant Classification Sherloc (09022015). Collection method: clinical testing. Allele origin: germline.
Comment: This sequence change replaces glutamic acid, which is acidic and polar, with aspartic acid, which is acidic and polar, at codon 488 of the SIAE protein (p.Glu488Asp). This variant is present in population databases (rs781746246, gnomAD 0.003%). This variant has not been reported in the literature in individuals affected with SIAE-related conditions. ClinVar contains an entry for this variant (Variation ID: 1924213). An algorithm developed to predict the effect of missense changes on protein structure and function outputs the following: PolyPhen-2: "Benign". The aspartic acid amino acid residue is found in multiple mammalian species, which suggests that this missense change does not adversely affect protein function. In summary, the available evidence is currently insufficient to determine the role of this variant in disease. Therefore, it has been classified as a Variant of Uncertain Significance.

Ambry Genetics
Classification: Uncertain significance. Last evaluated: 2025-09-04. Review status: criteria provided, single submitter. Criteria: Ambry Variant Classification Scheme 2023. Collection method: clinical testing. Allele origin: germline.

NM_170601.5(SIAE):c.1464A>C (p.Glu488Asp)

Gene: SIAE (sialic acid acetylesterase; minus strand). Cytogenetic location: 11q24.2.
Variant type: single nucleotide variant.
Coding change: c.1464A>C on transcript NM_170601.5 (MANE Select); coding-DNA position 1464, A replaced by C.
Protein change: p.Glu488Asp; replaces glutamic acid 488 with aspartic acid.
Molecular consequence: missense variant.
Genome position (GRCh38, 1-based): chr11:124,637,059, T>G on the plus strand (A>C on the coding strand, the complement: SIAE is on the minus strand). VCF-style: chr11-124637059-T-G. GRCh37 (hg19) VCF-style: chr11-124506955-T-G.
Other names: c.1464A>C (NM_170601.4); c.1359A>C, p.Glu453Asp (NM_001199922.2); short protein forms E453D, E488D.
Identifiers: ClinVar variation 1924213 (VCV001924213.6), dbSNP rs781746246, ClinGen allele CA6341166.